The following is an entry in ClinVar:

NM_003482.4(KMT2D):c.9800C>T (p.Ser3267Leu)

Gene: KMT2D (lysine methyltransferase 2D; minus strand). Cytogenetic location: 12q13.12.
Variant type: single nucleotide variant.
Coding change: c.9800C>T on transcript NM_003482.4 (MANE Select); coding-DNA position 9800, C replaced by T.
Protein change: p.Ser3267Leu; replaces serine 3267 with leucine.
Molecular consequence: missense variant.
Genome position (GRCh38, 1-based): chr12:49,037,556, G>A on the plus strand (C>T on the coding strand, the complement: KMT2D is on the minus strand). VCF-style: chr12-49037556-G-A. GRCh37 (hg19) VCF-style: chr12-49431339-G-A.
Other names: short protein forms S3267L.
Identifiers: ClinVar variation 4798201 (VCV004798201.1).

ClinVar aggregate classification (germline): Uncertain significance (1 of 4 stars; one submission).

Conditions:
Kabuki syndrome. Also called: NIIKAWA-KUROKI SYNDROME; Kabuki make-up syndrome. Identifiers: Orphanet 2322, MedGen C0796004, MONDO:0016512.

Submission:

Labcorp Genetics (formerly Invitae), Labcorp
Classification: Uncertain significance for Kabuki syndrome. Last evaluated: 2025-03-27. Review status: criteria provided, single submitter. Criteria: Invitae Variant Classification Sherloc (09022015). Collection method: clinical testing. Allele origin: germline.
Comment: This sequence change replaces serine, which is neutral and polar, with leucine, which is neutral and non-polar, at codon 3267 of the KMT2D protein (p.Ser3267Leu). This variant is not present in population databases (gnomAD no frequency). This variant has not been reported in the literature in individuals affected with KMT2D-related conditions. Invitae Evidence Modeling of protein sequence and biophysical properties (such as structural, functional, and spatial information, amino acid conservation, physicochemical variation, residue mobility, and thermodynamic stability) indicates that this missense variant is not expected to disrupt KMT2D protein function with a negative predictive value of 95%. In summary, the available evidence is currently insufficient to determine the role of this variant in disease. Therefore, it has been classified as a Variant of Uncertain Significance.